The following is an entry in ClinVar:

ClinVar aggregate classification (germline): Pathogenic (1 of 4 stars; one submission).

Conditions:
Distal myopathy with posterior leg and anterior hand involvement. Also called: WILLIAMS DISTAL MYOPATHY. Identifiers: Orphanet 63273, MedGen C3279722, MONDO:0013550, OMIM 614065.
Hypertrophic cardiomyopathy 26. Also called: Cardiomyopathy, familial hypertrophic, 26. Identifiers: Orphanet 75249, MedGen C4310749, MONDO:0014883, OMIM 617047.
Myofibrillar myopathy 5. Also called: Filaminopathy (type); FILAMINOPATHY, AUTOSOMAL DOMINANT. Identifiers: Orphanet 171445, MedGen C1836050, MONDO:0012289, OMIM 609524.

Submission:

Labcorp Genetics (formerly Invitae), Labcorp
Classification: Pathogenic for Distal myopathy with posterior leg and anterior hand involvement; Myofibrillar myopathy 5; Hypertrophic cardiomyopathy 26. Last evaluated: 2024-04-25. Review status: criteria provided, single submitter. Criteria: Invitae Variant Classification Sherloc (09022015). Collection method: clinical testing. Allele origin: germline.
Comment: This sequence change creates a premature translational stop signal (p.Gly2002Aspfs*35) in the FLNC gene. It is expected to result in an absent or disrupted protein product. Loss-of-function variants in FLNC are known to be pathogenic (PMID: 27908349). This variant is not present in population databases (gnomAD no frequency). This variant has not been reported in the literature in individuals affected with FLNC-related conditions. Algorithms developed to predict the effect of sequence changes on RNA splicing suggest that this variant may disrupt the consensus splice site. For these reasons, this variant has been classified as Pathogenic.

Literature cited by the submitters: PubMed 27908349.

NC_000007.14:g.128852828_128852829del

Genes: FLNC-AS1 (FLNC antisense RNA 1; minus strand), FLNC (filamin C; plus strand). Cytogenetic location: 7q32.1.
Variant type: Deletion.
Genome position: GRCh38 VCF-style: chr7-128852826-AGG-A. GRCh37 (hg19) VCF-style: chr7-128492880-AGG-A.
Identifiers: ClinVar variation 3756047 (VCV003756047.2).